The following is an entry in ClinVar:

NM_004958.4(MTOR):c.7367-3T>C

Gene: MTOR (mechanistic target of rapamycin kinase; minus strand). Cytogenetic location: 1p36.22.
Variant type: single nucleotide variant.
Coding change: c.7367-3T>C on transcript NM_004958.4 (MANE Select); 3 bases into the intron before coding-DNA position 7367, T replaced by C.
Molecular consequence: intron variant.
Genome position (GRCh38, 1-based): chr1:11,109,732, A>G on the plus strand (T>C on the coding strand, the complement: MTOR is on the minus strand). VCF-style: chr1-11109732-A-G. GRCh37 (hg19) VCF-style: chr1-11169789-A-G.
Other names: p.?.
Identifiers: ClinVar variation 695905 (VCV000695905.48), dbSNP rs56412200, ClinGen allele CA588843.

ClinVar aggregate classification (germline): Benign/Likely benign. Review status: criteria provided, multiple submitters, no conflicts (2 of 4 stars). 6 submissions from 6 submitters: Benign (4); Likely benign (2). Last evaluated 2026-06-01.

Allele frequency attached by ClinVar (database versions not stated): gnomAD exomes 0.00083 and 0.00093; ESP Exome Variant Server 0.00085; 1000 Genomes Project 30x 0.00031; 1000 Genomes Project 0.00040; gnomAD 0.00048 and 0.00054; TOPMed 0.00069; ExAC 0.00083.
gnomAD v4.1: 1,429 of 1,613,736 alleles (0.089%); highest among the groups gnomAD compares: South Asian, 0.26%; 5 homozygotes.

Submissions (6):

CeGaT Center for Human Genetics Tuebingen
Classification: Likely benign. Last evaluated: 2026-06-01. Review status: criteria provided, single submitter. Criteria: CeGaT Center For Human Genetics Tuebingen Variant Classification Criteria Version 2. Collection method: clinical testing. Allele origin: germline. Affected: yes. Observed: 3 variant alleles.
Comment: MTOR: BP4, BS1

Labcorp Genetics (formerly Invitae), Labcorp
Classification: Benign. Last evaluated: 2026-01-26. Review status: criteria provided, single submitter. Criteria: Invitae Variant Classification Sherloc (09022015). Collection method: clinical testing. Allele origin: germline.

Mayo Clinic Laboratories, Mayo Clinic
Classification: Benign. Last evaluated: 2025-07-11. Review status: criteria provided, single submitter. Criteria: ACMG Guidelines, 2015. Collection method: clinical testing. Allele origin: germline. Observed: 1 variant allele.
Comment: BA1

Blueprint Genetics
Classification: Likely benign. Last evaluated: 2024-11-15. Review status: criteria provided, single submitter. Criteria: ACMG Guidelines, 2015. Collection method: clinical testing. Allele origin: germline.

Genetic Services Laboratory, University of Chicago
Classification: Benign. Last evaluated: 2020-02-04. Review status: criteria provided, single submitter. Criteria: ACMG Guidelines, 2015. Collection method: clinical testing. Allele origin: germline. Affected: no.

GeneDx
Classification: Benign. Last evaluated: 2019-08-12. Review status: criteria provided, single submitter. Criteria: GeneDx Variant Classification Process June 2021. Collection method: clinical testing. Allele origin: germline. Affected: yes.